The following is an entry in ClinVar:

NM_020821.3(VPS13C):c.8445+2T>G

Gene: VPS13C (vacuolar protein sorting 13 homolog C; minus strand). Cytogenetic location: 15q22.2.
Variant type: single nucleotide variant.
Coding change: c.8445+2T>G on transcript NM_020821.3 (MANE Select); the canonical splice donor site of the intron after coding-DNA position 8445, T replaced by G.
Molecular consequence: splice donor variant.
Genome position (GRCh38, 1-based): chr15:61,915,631, A>C on the plus strand (T>G on the coding strand, the complement: VPS13C is on the minus strand). VCF-style: chr15-61915631-A-C. GRCh37 (hg19) VCF-style: chr15-62207830-A-C.
Other names: IVS61DS, T-G, +2; c.8316+2T>G (NM_017684.5, NM_018080.4); c.8445+2T>G (NM_001018088.3).
Identifiers: ClinVar variation 222067 (VCV000222067.3), dbSNP rs869312809, ClinGen allele CA353559.

ClinVar aggregate classification (germline): Pathogenic. Review status: criteria provided, single submitter (1 of 4 stars). 2 submissions from 2 submitters: Pathogenic (1). 1 of the submissions does not count toward it. Last evaluated 2015-11-16.

Conditions:
Autosomal recessive early-onset Parkinson disease 23. Identifiers: Orphanet 2828, MedGen C4225186, MONDO:0014796, OMIM 616840.
Parkinson disease (PD). Identifiers: MedGen C0030567, MeSH D010300, MONDO:0005180.

Submissions (2):

Brain and Spine Institute, INSERM
Classification: Pathogenic for Parkinson disease. Last evaluated: 2015-11-16. Review status: criteria provided, single submitter. Criteria: Lesage et al. (Am J Hum Genet. 2016). Collection method: research. Allele origin: inherited. Affected: yes and no. Observed: 7 variant alleles, 6 heterozygotes, 1 homozygote.
Comment: recessive, early-onset, rapid progression

OMIM
Classification: Pathogenic for PARKINSON DISEASE 23, AUTOSOMAL RECESSIVE EARLY-ONSET. Last evaluated: 2016-03-18. Review status: no assertion criteria provided. Collection method: literature only. Allele origin: germline. Not counted in ClinVar's aggregate classification.

Literature cited by the submitters: PubMed 26942284 (cited by OMIM).